The following is an entry in ClinVar:

NM_004991.4(MECOM):c.2172C>T (p.Pro724=)

Gene: MECOM (MDS1 and EVI1 complex locus; minus strand). Cytogenetic location: 3q26.2.
Variant type: single nucleotide variant.
Coding change: c.2172C>T on transcript NM_004991.4 (MANE Select); coding-DNA position 2172, C replaced by T.
Protein change: p.Pro724=; no amino-acid change (proline 724 retained).
Molecular consequence: synonymous variant.
Genome position (GRCh38, 1-based): chr3:169,115,700, G>A on the plus strand (C>T on the coding strand, the complement: MECOM is on the minus strand). VCF-style: chr3-169115700-G-A. GRCh37 (hg19) VCF-style: chr3-168833488-G-A.
Other names: c.1608C>T (NM_001105078.3); c.1803C>T, p.Pro601= (NM_001105077.4); c.1608C>T, p.Pro536= (NM_001105078.4, NM_001164000.2, NM_001205194.2 and 4 more transcripts); c.1611C>T, p.Pro537= (NM_001163999.2, NM_001366467.2, NM_001366468.2 and 1 more transcripts); c.2172C>T, p.Pro724= (NM_001366466.2); c.1200C>T, p.Pro400= (NM_001366473.2); c.636C>T, p.Pro212= (NM_001366474.2); c.2172C>T (NM_004991.3).
Identifiers: ClinVar variation 2084180 (VCV002084180.8), dbSNP rs150980249, ClinGen allele CA2696233.

ClinVar aggregate classification (germline): Benign/Likely benign. Review status: criteria provided, multiple submitters, no conflicts (2 of 4 stars). 4 submissions from 4 submitters: Benign (1); Likely benign (2). 1 of the submissions does not count toward it. Last evaluated 2026-01-12.

Conditions:
Inborn genetic diseases. Identifiers: MedGen C0950123, MeSH D030342.
MECOM-related disorder. Also called: MECOM-related condition.

Allele frequency attached by ClinVar (database versions not stated): ESP Exome Variant Server 0.00015; TOPMed 0.00016; gnomAD 0.00019; 1000 Genomes Project 0.00020; gnomAD exomes 0.00020; 1000 Genomes Project 30x 0.00031.
gnomAD v4.1: 315 of 1,614,104 alleles (0.02%); highest among the groups gnomAD compares: Admixed American, 0.06%; no homozygotes.

Submissions (4):

Labcorp Genetics (formerly Invitae), Labcorp
Classification: Benign. Last evaluated: 2026-01-12. Review status: criteria provided, single submitter. Criteria: Invitae Variant Classification Sherloc (09022015). Collection method: clinical testing. Allele origin: germline.

Ambry Genetics
Classification: Likely benign for Inborn genetic diseases. Last evaluated: 2024-10-02. Review status: criteria provided, single submitter. Criteria: Ambry Variant Classification Scheme 2023. Collection method: clinical testing. Allele origin: germline.

Blueprint Genetics
Classification: Likely benign. Last evaluated: 2023-03-02. Review status: criteria provided, single submitter. Criteria: ACMG Guidelines, 2015. Collection method: clinical testing. Allele origin: germline.

PreventionGenetics, part of Exact Sciences
Classification: Likely benign for MECOM-related condition. Last evaluated: 2019-08-28. Review status: no assertion criteria provided. Collection method: clinical testing. Allele origin: germline. Not counted in ClinVar's aggregate classification.
Comment: This variant is classified as likely benign based on ACMG/AMP sequence variant interpretation guidelines (Richards et al. 2015 PMID: 25741868, with internal and published modifications).